The following is an entry in ClinVar:

ClinVar aggregate classification (germline): Uncertain significance. Review status: criteria provided, multiple submitters, no conflicts (2 of 4 stars). 2 submissions from 2 submitters: Uncertain significance (2). Last evaluated 2024-01-02.

Conditions:
Inborn genetic diseases. Identifiers: MedGen C0950123, MeSH D030342.

Allele frequency attached by ClinVar (database versions not stated): ESP Exome Variant Server 0.00008; gnomAD 0.00011; TOPMed 0.00012; gnomAD exomes 0.00015; 1000 Genomes Project 0.00020; 1000 Genomes Project 30x 0.00031.
gnomAD v4.1: 240 of 1,613,890 alleles (0.015%); highest among the groups gnomAD compares: Non-Finnish European, 0.018%; no homozygotes.

Submissions (2):

Labcorp Genetics (formerly Invitae), Labcorp
Classification: Uncertain significance. Last evaluated: 2024-01-02. Review status: criteria provided, single submitter. Criteria: Invitae Variant Classification Sherloc (09022015). Collection method: clinical testing. Allele origin: germline.
Comment: This sequence change replaces valine, which is neutral and non-polar, with methionine, which is neutral and non-polar, at codon 688 of the EML1 protein (p.Val688Met). This variant is present in population databases (rs373460692, gnomAD 0.01%). This variant has not been reported in the literature in individuals affected with EML1-related conditions. ClinVar contains an entry for this variant (Variation ID: 2366027). Algorithms developed to predict the effect of missense changes on protein structure and function output the following: SIFT: "Not Available"; PolyPhen-2: "Benign"; Align-GVGD: "Not Available". The methionine amino acid residue is found in multiple mammalian species, which suggests that this missense change does not adversely affect protein function. In summary, the available evidence is currently insufficient to determine the role of this variant in disease. Therefore, it has been classified as a Variant of Uncertain Significance.

Ambry Genetics
Classification: Uncertain significance for Inborn genetic diseases. Last evaluated: 2023-11-17. Review status: criteria provided, single submitter. Criteria: Ambry Variant Classification Scheme 2023. Collection method: clinical testing. Allele origin: germline.

NM_004434.3(EML1):c.2062G>A (p.Val688Met)

Gene: EML1 (EMAP like 1; plus strand). Cytogenetic location: 14q32.2.
Variant type: single nucleotide variant.
Coding change: c.2062G>A on transcript NM_004434.3 (MANE Select); coding-DNA position 2062, G replaced by A.
Protein change: p.Val688Met; replaces valine 688 with methionine.
Molecular consequence: missense variant.
Genome position (GRCh38, 1-based): chr14:99,936,301, G>A. VCF-style: chr14-99936301-G-A. GRCh37 (hg19) VCF-style: chr14-100402638-G-A.
Other names: c.2119G>A, p.Val707Met (NM_001008707.2); c.2023G>A, p.Val675Met (NM_001375411.1); c.1930G>A, p.Val644Met (NM_001375412.1); short protein forms V707M, V644M, V675M, V688M.
Identifiers: ClinVar variation 2366027 (VCV002366027.4), dbSNP rs373460692, ClinGen allele CA7342840.